The following is an entry in ClinVar:

NM_000557.5(GDF5):c.1322T>C (p.Leu441Pro)

Genes: GDF5 (growth differentiation factor 5; minus strand), GDF5-AS1 (GDF5 antisense RNA 1; plus strand). Cytogenetic location: 20q11.22.
Variant type: single nucleotide variant.
Coding change: c.1322T>C on transcript NM_000557.5 (MANE Select); coding-DNA position 1322, T replaced by C.
Protein change: p.Leu441Pro; replaces leucine 441 with proline.
Molecular consequence: missense variant. On other transcripts: non-coding transcript variant (1).
Genome position (GRCh38, 1-based): chr20:35,434,093, A>G on the plus strand (T>C on the coding strand, the complement: GDF5 is on the minus strand). VCF-style: chr20-35434093-A-G. GRCh37 (hg19) VCF-style: chr20-34021891-A-G.
Other names: c.1322T>C, p.Leu441Pro (NM_001319138.2); short protein forms L441P.
Identifiers: ClinVar variation 8381 (VCV000008381.9), dbSNP rs28936683, ClinGen allele CA119565.

ClinVar aggregate classification (germline): Pathogenic. Review status: criteria provided, multiple submitters, no conflicts (2 of 4 stars). 5 submissions from 3 submitters: Pathogenic (2). 3 of the submissions do not count toward it. Last evaluated 2025-06-18.

Conditions:
Symphalangism, proximal, 1B (SYM1B). Identifiers: Orphanet 3250, MedGen C3809104, MONDO:0014125, OMIM 615298.
Acromesomelic dysplasia 2B. Also called: DU PAN SYNDROME. Identifiers: Orphanet 2639, MedGen C1856738, MONDO:0009231, OMIM 228900.
Type A2 brachydactyly (BDA2). Also called: BRACHYMESOPHALANGY II; Brachymesophalangy type 2; MOHR-WRIEDT TYPE BRACHYDACTYLY. Identifiers: Orphanet 93396, MedGen C1832702, MONDO:0007216, OMIM 112600, HP:0009372.

Allele frequency attached by ClinVar (database versions not stated): TOPMed below 0.00001; gnomAD 0.00001; gnomAD exomes below 0.00001.
gnomAD v4.1: 2 of 1,614,004 alleles (0.00012%); highest among the groups gnomAD compares: Non-Finnish European, 0.00017%; no homozygotes.

Submissions (5):

Clinical Genetics Laboratory, University Hospital Schleswig-Holstein
Classification: Pathogenic for Type A2 brachydactyly. Last evaluated: 2025-06-18. Review status: criteria provided, single submitter. Criteria: ACMG Guidelines, 2015. Collection method: clinical testing. Allele origin: paternal. Affected: yes. Observed: 1 heterozygote.
Comment: ACMG criteria applied: PM2, PS4_Moderate, PP3, PP1_Moderate, PS3_Moderate, PP4

Labcorp Genetics (formerly Invitae), Labcorp
Classification: Pathogenic. Last evaluated: 2023-09-27. Review status: criteria provided, single submitter. Criteria: Invitae Variant Classification Sherloc (09022015). Collection method: clinical testing. Allele origin: germline.
Comment: For these reasons, this variant has been classified as Pathogenic. Experimental studies have shown that this missense change affects GDF5 function (PMID: 16127465, 21976273). Advanced modeling of protein sequence and biophysical properties (such as structural, functional, and spatial information, amino acid conservation, physicochemical variation, residue mobility, and thermodynamic stability) performed at Invitae indicates that this missense variant is expected to disrupt GDF5 protein function. ClinVar contains an entry for this variant (Variation ID: 8381). This variant is also known as L60P. This missense change has been observed in individuals with GDF5-related conditions (PMID: 12121354, 16014698). It has also been observed to segregate with disease in related individuals. This variant is not present in population databases (gnomAD no frequency). This sequence change replaces leucine, which is neutral and non-polar, with proline, which is neutral and non-polar, at codon 441 of the GDF5 protein (p.Leu441Pro).

Clinical Genetics Laboratory, University Hospital Schleswig-Holstein
Classification: Likely pathogenic for Symphalangism, proximal, 1B. Last evaluated: 2021-09-23. Review status: no assertion criteria provided. Collection method: clinical testing. Allele origin: germline. Affected: yes. Not counted in ClinVar's aggregate classification.

OMIM
Classification: Pathogenic for ACROMESOMELIC DYSPLASIA 2B. Last evaluated: 2006-03-01. Review status: no assertion criteria provided. Collection method: literature only. Allele origin: germline. Not counted in ClinVar's aggregate classification.

OMIM
Classification: Pathogenic for BRACHYDACTYLY, TYPE A2. Last evaluated: 2006-03-01. Review status: no assertion criteria provided. Collection method: literature only. Allele origin: germline. Not counted in ClinVar's aggregate classification.

Literature cited by the submitters: PubMed 16127465 (cited by Labcorp Genetics (formerly Invitae), Labcorp and OMIM); PubMed 21976273 (cited by Labcorp Genetics (formerly Invitae), Labcorp); PubMed 12121354 (cited by Labcorp Genetics (formerly Invitae), Labcorp and OMIM); PubMed 16014698 (cited by Labcorp Genetics (formerly Invitae), Labcorp and OMIM); Mohr, O. L., Wriedt, C. A New Type of Hereditary Brachyphalangy in Man. Washington: Carnegie Inst. (pub.) 5-64, 1919. Note: Publ. 295. (cited by OMIM).